The following is an entry in ClinVar:

NM_000143.4(FH):c.349G>C (p.Ala117Pro)

Gene: FH (fumarate hydratase; minus strand). Cytogenetic location: 1q43.
Variant type: single nucleotide variant.
Coding change: c.349G>C on transcript NM_000143.4 (MANE Select); coding-DNA position 349, G replaced by C.
Protein change: p.Ala117Pro; replaces alanine 117 with proline.
Molecular consequence: missense variant.
Genome position (GRCh38, 1-based): chr1:241,513,632, C>G on the plus strand (G>C on the coding strand, the complement: FH is on the minus strand). VCF-style: chr1-241513632-C-G. GRCh37 (hg19) VCF-style: chr1-241676932-C-G.
Other names: short protein forms A117P.
Identifiers: ClinVar variation 265146 (VCV000265146.21), dbSNP rs886039363, ClinGen allele CA10588292.

ClinVar aggregate classification (germline): Pathogenic/Likely pathogenic. Review status: criteria provided, multiple submitters, no conflicts (2 of 4 stars). 6 submissions from 6 submitters: Pathogenic (5); Likely pathogenic (1). Last evaluated 2025-10-01.

Conditions:
Hereditary cancer-predisposing syndrome. Also called: Tumor predisposition; Hereditary neoplastic syndrome; Neoplastic Syndromes, Hereditary; Hereditary Cancer Syndrome. Identifiers: Orphanet 140162, MedGen C0027672, MeSH D009386, MONDO:0015356.
Hereditary leiomyomatosis and renal cell cancer. Also called: Multiple cutaneous leiomyomas; MULTIPLE CUTANEOUS AND UTERINE LEIOMYOMATA 1, WITH OR WITHOUT RENAL CELL CARCINOMA; FH tumor predisposition syndrome; LEIOMYOMA, MULTIPLE CUTANEOUS; Reed syndrome; Multiple cutaneous and uterine leiomyomatosis. Identifiers: Orphanet 523, MedGen C1708350, MONDO:0007888, OMIM 150800, HP:0007437. Disease mechanism: loss of function.

gnomAD v4.1: 5 of 1,614,052 alleles (0.00031%); highest among the groups gnomAD compares: Non-Finnish European, 0.00042%; no homozygotes.

Submissions (6):

Ambry Genetics
Classification: Pathogenic for Hereditary cancer-predisposing syndrome. Last evaluated: 2025-10-01. Review status: criteria provided, single submitter. Criteria: Ambry Variant Classification Scheme 2023. Collection method: clinical testing. Allele origin: germline.
Comment: The p.A117P variant (also known as c.349G>C), located in coding exon 3 of the FH gene, results from a G to C substitution at nucleotide position 349. The alanine at codon 117 is replaced by proline, an amino acid with highly similar properties. This variant was reported in individual(s) with features consistent with hereditary leiomyomatosis and renal cell cancer (HLRCC) (Tomlinson IP et al. Nat. Genet. 2002 Apr;30:406-10; Gardie B et al. J. Med. Genet. 2011 Apr;48:226-34; Picaud S et al. J. Inherit. Metab. Dis. 2011 Jun;34:671-6; S&aacute;nchez-Heras AB et al. Cancers (Basel), 2020 Nov;12; Ambry internal data). This variant is considered to be rare based on population cohorts in the Genome Aggregation Database (gnomAD). This amino acid position is highly conserved in available vertebrate species. In addition, this alteration is predicted to be deleterious by in silico analysis. Based on the supporting evidence, this variant is interpreted as a disease-causing mutation.

Labcorp Genetics (formerly Invitae), Labcorp
Classification: Pathogenic. Last evaluated: 2024-10-07. Review status: criteria provided, single submitter. Criteria: Invitae Variant Classification Sherloc (09022015). Collection method: clinical testing. Allele origin: germline.
Comment: This sequence change replaces alanine, which is neutral and non-polar, with proline, which is neutral and non-polar, at codon 117 of the FH protein (p.Ala117Pro). This variant is not present in population databases (gnomAD no frequency). This missense change has been observed in individual(s) with renal cell carcinoma and cutaneous and uterine leiomyomas and pheochromocytoma (PMID: 11865300, 21398687, 24334767, 31831373; internal data). This variant is also known as c.220G>C (p.Ala74Pro). ClinVar contains an entry for this variant (Variation ID: 265146). Invitae Evidence Modeling of protein sequence and biophysical properties (such as structural, functional, and spatial information, amino acid conservation, physicochemical variation, residue mobility, and thermodynamic stability) indicates that this missense variant is expected to disrupt FH protein function with a positive predictive value of 95%. Experimental studies are conflicting or provide insufficient evidence to determine the effect of this variant on FH function (PMID: 11865300, 21398687). For these reasons, this variant has been classified as Pathogenic.

Victorian Clinical Genetics Services, Murdoch Childrens Research Institute
Classification: Pathogenic for Hereditary leiomyomatosis and renal cell cancer. Last evaluated: 2023-07-17. Review status: criteria provided, single submitter. Criteria: ACMG Guidelines, 2015. Collection method: clinical testing. Allele origin: germline. Inheritance: Autosomal dominant inheritance.
Comment: Based on the classification scheme VCGS_Germline_v1.3.4, this variant is classified as Pathogenic. Following criteria are met: 0102 - Loss of function is a known mechanism of disease in this gene and is associated with autosomal recessive fumarase deficiency (MIM#606812) and autosomal dominant leiomyomatosis and renal cell cancer (MIM#150800). (I) 0108 - This gene is associated with both recessive and dominant disease (OMIM). (I) 0112 - The condition associated with this gene has incomplete penetrance, where heterozygous individuals may be severely affected or asymptomatic (PMID: 21398687). (I) 0200 - Variant is predicted to result in a missense amino acid change from alanine to proline. (I) 0251 - This variant is heterozygous. (I) 0301 - Variant is absent from gnomAD (both v2 and v3). (SP) 0501 - Missense variant consistently predicted to be damaging by multiple in silico tools or highly conserved with a major amino acid change. (SP) 0600 - Variant is located in the annotated lyase_1 domain (DECIPHER). (I) 0801 - This variant has strong previous evidence of pathogenicity in unrelated individuals. This variant has been reported as likely pathogenic and pathogenic, and observed in at least five individuals with leiomyomas, renal cell cancer or pheochromocytoma. One of these individuals had a somatic second hit (ClinVar, PMID: 33167498, PMID: 31831373, PMID: 28300276, PMID: 24334767). (I) Legend: (SP) - Supporting pathogenic, (I) - Information, (SB) - Supporting benign

Myriad Genetics, Inc.
Classification: Likely pathogenic for Hereditary leiomyomatosis and renal cell cancer. Last evaluated: 2023-07-05. Review status: criteria provided, single submitter. Criteria: Myriad Autosomal Dominant, Autosomal Recessive and X-Linked Classification Criteria (2023). Collection method: clinical testing. Allele origin: unknown.
Comment: This variant is considered likely pathogenic. This variant has been reported in multiple individuals with clinical features of gene-specific disease [PMID: 24334767, 21398687, 11865300, 33167498, 12761039]. Functional studies indicate this variant impacts protein function [PMID: 16237213]. This variant is expected to disrupt protein structure [Myriad internal data].

Sema4
Classification: Pathogenic for Hereditary cancer-predisposing syndrome. Last evaluated: 2021-06-18. Review status: criteria provided, single submitter. Criteria: Sema4 Curation Guidelines. Collection method: curation. Allele origin: germline.
Comment: The FH c.349G>C (p.A117P) variant has been reported in heterozygosity in multiple individuals with leiomyomas, renal cell cancer, or pheochromocytoma (PMID: 11865300, 21398687, 24334767, 31831373, 33167498, among others). It is also known as c.220G>C (p.A74P) in the literature. This variant is not reported in the population database Genome Aggregation Database (PMID: 32461654) but has been reported in ClinVar (Variation ID: 265146). In silico tools suggest the impact of the variant on protein function is deleterious, though these predictions have not been confirmed by functional studies. Based on the current evidence available, this variant is interpreted as pathogenic.

GeneDx
Classification: Pathogenic. Last evaluated: 2017-12-11. Review status: criteria provided, single submitter. Criteria: GeneDx Variant Classification (06012015). Collection method: clinical testing. Allele origin: germline. Affected: yes.
Comment: The A117P missense variant in the FH gene has been reported previously in association with multiple leiomyomatosis (Tomlinson et al., 2002) and type 2 papillary renal cell cancer (Gardie et al., 2011). The A117P variant was not observed in approximately 6,500 individuals of European and African American ancestry in the NHLBI Exome Sequencing Project, indicating it is not a common benign variant in these populations.

Literature cited by the submitters: PubMed 11865300 (cited by 4 submitters); PubMed 21398687 (cited by 5 submitters); PubMed 21445611 (cited by Ambry Genetics); PubMed 23707781 (cited by Ambry Genetics); PubMed 33167498 (cited by 4 submitters); PubMed 24334767 (cited by 4 submitters); PubMed 31831373 (cited by 3 submitters); PubMed 28300276 (cited by Victorian Clinical Genetics Services, Murdoch Childrens Research Institute); PubMed 12761039 (cited by Myriad Genetics, Inc.); PubMed 16237213 (cited by Myriad Genetics, Inc.).